The following is an entry in ClinVar:

NM_017654.4(SAMD9):c.1368del (p.Glu457fs)

Gene: SAMD9 (sterile alpha motif domain containing 9; minus strand). Cytogenetic location: 7q21.2.
Variant type: Deletion.
Coding change: c.1368del on transcript NM_017654.4 (MANE Select); coding-DNA position 1368, one base deleted (A; older notation c.1368delA).
Protein change: p.Glu457fs; shifts the reading frame from glutamic acid 457.
Molecular consequence: frameshift variant.
Genome position (GRCh38, 1-based): chr7:93,104,730, T deleted on the plus strand (A on the coding strand, the reverse complement: SAMD9 is on the minus strand); the first of 3 consecutive T bases (chr7:93,104,730-93,104,732); deleting any one gives the same sequence. VCF-style (leftmost placement, unchanged base first): chr7-93104729-CT-C. GRCh37 (hg19) VCF-style: chr7-92734042-CT-C.
Other names: c.1368del, p.Glu457fs (NM_001193307.2); short protein forms E457fs.
Identifiers: ClinVar variation 3626889 (VCV003626889.4).

ClinVar aggregate classification (germline): Uncertain significance. Review status: criteria provided, multiple submitters, no conflicts (2 of 4 stars). 2 submissions from 2 submitters: Uncertain significance (2). Last evaluated 2025-06-22.

Submissions (2):

Labcorp Genetics (formerly Invitae), Labcorp
Classification: Uncertain significance. Last evaluated: 2025-06-22. Review status: criteria provided, single submitter. Criteria: Invitae Variant Classification Sherloc (09022015). Collection method: clinical testing. Allele origin: germline.
Comment: This sequence change creates a premature translational stop signal (p.Glu457Lysfs*4) in the SAMD9 gene. While this is not anticipated to result in nonsense mediated decay, it is expected to disrupt the last 1133 amino acid(s) of the SAMD9 protein. This variant is present in population databases (rs748037120, gnomAD 0.0009%). This variant has not been reported in the literature in individuals affected with SAMD9-related conditions. ClinVar contains an entry for this variant (Variation ID: 3626889). Experimental studies and prediction algorithms are not available or were not evaluated, and the functional significance of this variant is currently unknown. In summary, the available evidence is currently insufficient to determine the role of this variant in disease. Therefore, it has been classified as a Variant of Uncertain Significance.

Dasa
Classification: Uncertain significance. Last evaluated: 2025-02-17. Review status: criteria provided, single submitter. Criteria: DASA Assertion Criteria. Collection method: clinical testing. Allele origin: germline.
Comment: NM_017654.4(SAMD9):c.1368del (p.Glu457Lysfs*4) is a frameshift variant in SAMD9 predicted to alter the reading frame and introduce a premature termination codon and is predicted to result in an absent or altered protein product. This variant is rare in population databases. The currently available literature and clinical evidence are not sufficient to establish a definitive association between this variant and the reported condition. Therefore, this variant is classified as a variant of uncertain significance.